The following is an entry in ClinVar:

NM_001008537.3(NEXMIF):c.1376_1377del (p.Asp458_Cys459insTer)

Gene: NEXMIF (neurite extension and migration factor; minus strand). Cytogenetic location: Xq13.3.
Variant type: Deletion.
Coding change: c.1376_1377del on transcript NM_001008537.3 (MANE Select); coding-DNA positions 1376 to 1377, 2 bases deleted (GT; older notation c.1376_1377delGT).
Protein change: p.Asp458_Cys459insTer.
Molecular consequence: nonsense.
Genome position (GRCh38, 1-based): chrX:74,743,180-74,743,181, AC deleted on the plus strand (GT on the coding strand, the reverse complement: NEXMIF is on the minus strand); deleting any 2 consecutive bases within chrX:74,743,180-74,743,182 gives the same sequence; the c. name uses the placement nearest the transcript's 3' end. VCF-style (leftmost placement, unchanged base first): chrX-74743179-TAC-T. GRCh37 (hg19) VCF-style: chrX-73963014-TAC-T.
Identifiers: ClinVar variation 374404 (VCV000374404.2), dbSNP rs1057518730, ClinGen allele CA16043717.
Genomic context (GRCh38, chrX:74,743,179, plus strand): 5'-GCCCATAGTTCTGTTGGGAGGAGGAGCTGCCAGAATTAGTGTCCCGAGCCATATAGCGAC[TAC>T]AGTCCTTGATCTCACCCATAGCATCATATGAGATCTCAATGAAGGAACTATCATCACTGA-3'

ClinVar aggregate classification (germline): Pathogenic (0 of 4 stars; one submission).

Conditions:
X-linked intellectual disability, Cantagrel type (XLID98). Also called: INTELLECTUAL DEVELOPMENTAL DISORDER, X-LINKED 98. Identifiers: Orphanet 85277, MedGen C3806730, MONDO:0010483, OMIM 300912.

Submission:

Baylor Genetics
Classification: Pathogenic for X-linked intellectual disability, Cantagrel type. Last evaluated: 2014-05-04. Review status: no assertion criteria provided. Collection method: clinical testing. Allele origin: de novo. Inheritance: X-linked inheritance. Affected: yes. Observed: 1 variant allele, 1 hemizygote.
Comment: The KIAA2022 variant is categorized as deleterious according to ACMGG guidelines [PMID: 18414213]